The following is an entry in ClinVar:

NM_001354930.2(RIPK1):c.974G>T (p.Cys325Phe)

Gene: RIPK1 (receptor interacting serine/threonine kinase 1; plus strand). Cytogenetic location: 6p25.2.
Variant type: single nucleotide variant.
Coding change: c.974G>T on transcript NM_001354930.2 (MANE Select); coding-DNA position 974, G replaced by T.
Protein change: p.Cys325Phe; replaces cysteine 325 with phenylalanine.
Molecular consequence: missense variant.
Genome position (GRCh38, 1-based): chr6:3,104,283, G>T. VCF-style: chr6-3104283-G-T. GRCh37 (hg19) VCF-style: chr6-3104517-G-T.
Other names: c.485G>T, p.Cys162Phe (NM_001317061.3, NM_001354932.2, NM_001354933.2 and 1 more transcripts); c.836G>T, p.Cys279Phe (NM_001354931.2); c.974G>T, p.Cys325Phe (NM_003804.6); short protein forms C162F, C279F, C325F.
Identifiers: ClinVar variation 2126427 (VCV002126427.4), dbSNP rs2113688877, ClinGen allele CA362570213.

ClinVar aggregate classification (germline): Uncertain significance (1 of 4 stars; one submission).

Submission:

Labcorp Genetics (formerly Invitae), Labcorp
Classification: Uncertain significance. Last evaluated: 2022-04-15. Review status: criteria provided, single submitter. Criteria: Invitae Variant Classification Sherloc (09022015). Collection method: clinical testing. Allele origin: germline.
Comment: In summary, the available evidence is currently insufficient to determine the role of this variant in disease. Therefore, it has been classified as a Variant of Uncertain Significance. Algorithms developed to predict the effect of missense changes on protein structure and function are either unavailable or do not agree on the potential impact of this missense change (SIFT: "Not Available"; PolyPhen-2: "Probably Damaging"; Align-GVGD: "Not Available"). This variant has not been reported in the literature in individuals affected with RIPK1-related conditions. This variant is not present in population databases (gnomAD no frequency). This sequence change replaces cysteine, which is neutral and slightly polar, with phenylalanine, which is neutral and non-polar, at codon 325 of the RIPK1 protein (p.Cys325Phe).